The following is an entry in ClinVar:

ClinVar aggregate classification (germline): Uncertain significance. Review status: criteria provided, multiple submitters, no conflicts (2 of 4 stars). 2 submissions from 2 submitters: Uncertain significance (2). Last evaluated 2024-02-23.

Conditions:
Severe combined immunodeficiency due to DNA-PKcs deficiency. Also called: IMMUNODEFICIENCY 26 WITH NEUROLOGIC ABNORMALITIES; Immunodeficiency 26 with or without neurologic abnormalities. Identifiers: Orphanet 317425, MedGen C4014833, MONDO:0014423, OMIM 615966.

gnomAD v4.1: 8 of 1,613,078 alleles (0.0005%); highest among the groups gnomAD compares: East Asian, 0.0022%; no homozygotes.

Submissions (2):

Labcorp Genetics (formerly Invitae), Labcorp
Classification: Uncertain significance for Severe combined immunodeficiency due to DNA-PKcs deficiency. Last evaluated: 2024-02-23. Review status: criteria provided, single submitter. Criteria: Invitae Variant Classification Sherloc (09022015). Collection method: clinical testing. Allele origin: germline.
Comment: This sequence change replaces glycine, which is neutral and non-polar, with arginine, which is basic and polar, at codon 3071 of the PRKDC protein (p.Gly3071Arg). This variant is present in population databases (rs376953418, gnomAD 0.003%). This variant has not been reported in the literature in individuals affected with PRKDC-related conditions. ClinVar contains an entry for this variant (Variation ID: 1026298). Advanced modeling of protein sequence and biophysical properties (such as structural, functional, and spatial information, amino acid conservation, physicochemical variation, residue mobility, and thermodynamic stability) performed at Invitae indicates that this missense variant is not expected to disrupt PRKDC protein function with a negative predictive value of 80%. In summary, the available evidence is currently insufficient to determine the role of this variant in disease. Therefore, it has been classified as a Variant of Uncertain Significance.

Ambry Genetics
Classification: Uncertain significance. Last evaluated: 2023-08-26. Review status: criteria provided, single submitter. Criteria: Ambry Variant Classification Scheme 2023. Collection method: clinical testing. Allele origin: germline.
Comment: The p.G3071R variant (also known as c.9211G>A), located in coding exon 66 of the PRKDC gene, results from a G to A substitution at nucleotide position 9211. The glycine at codon 3071 is replaced by arginine, an amino acid with dissimilar properties. This amino acid position is conserved. In addition, this alteration is predicted to be tolerated by in silico analysis. Since supporting evidence is limited at this time, the clinical significance of this alteration remains unclear.

NM_006904.7(PRKDC):c.9211G>A (p.Gly3071Arg)

Gene: PRKDC (protein kinase, DNA-activated, catalytic subunit; minus strand). Cytogenetic location: 8q11.21.
Variant type: single nucleotide variant.
Coding change: c.9211G>A on transcript NM_006904.7 (MANE Select); coding-DNA position 9211, G replaced by A.
Protein change: p.Gly3071Arg; replaces glycine 3071 with arginine.
Molecular consequence: missense variant.
Genome position (GRCh38, 1-based): chr8:47,820,844, C>T on the plus strand (G>A on the coding strand, the complement: PRKDC is on the minus strand). VCF-style: chr8-47820844-C-T. GRCh37 (hg19) VCF-style: chr8-48733405-C-T.
Other names: c.9211G>A, p.Gly3071Arg (NM_001081640.2); c.9211G>A (NM_006904.6); short protein forms G3071R.
Identifiers: ClinVar variation 1026298 (VCV001026298.6), dbSNP rs376953418, ClinGen allele CA4739643.
Genomic context (GRCh38, chr8:47,820,844, plus strand): 5'-GGTAAAGCAGACTCAGCTCTTGACTGTAATGAAGCTCTAGAATCGCCTTCTGGAGCTCCC[C>T]GTGCATAGCTTTGTCAATAAATGTCAGCAGGGACTGGTCAGCCTCTCCCTGGAGCAGCAG-3'
Protein context (NP_008835.5, residues 3061-3081): LLTFIDKAMH[Gly3071Arg]ELQKAILELH